The following is an entry in ClinVar:

NM_006005.3(WFS1):c.2407G>A (p.Val803Met)

Gene: WFS1 (wolframin ER transmembrane glycoprotein; plus strand). Cytogenetic location: 4p16.1.
Variant type: single nucleotide variant.
Coding change: c.2407G>A on transcript NM_006005.3 (MANE Select); coding-DNA position 2407, G replaced by A.
Protein change: p.Val803Met; replaces valine 803 with methionine.
Molecular consequence: missense variant.
Genome position (GRCh38, 1-based): chr4:6,302,202, G>A. VCF-style: chr4-6302202-G-A. GRCh37 (hg19) VCF-style: chr4-6303929-G-A.
Other names: c.2407G>A, p.Val803Met (NM_001145853.1); short protein forms V803M.
Identifiers: ClinVar variation 229643 (VCV000229643.13), dbSNP rs745988826, ClinGen allele CA2839725.

ClinVar aggregate classification (germline): Uncertain significance. Review status: criteria provided, multiple submitters, no conflicts (2 of 4 stars). 4 submissions from 4 submitters: Uncertain significance (4). Last evaluated 2025-07-22.

Conditions:
Cataract 41 (CTRCT41). Also called: CATARACT 41, CONGENITAL NUCLEAR TYPE. Identifiers: Orphanet 91492, Orphanet 98991, Orphanet 98992, Orphanet 98995, MedGen C3805412, MONDO:0007287, OMIM 116400.
Wolfram syndrome 1 (WFS1). Identifiers: Orphanet 3463, MedGen C4551693, MONDO:0009101, OMIM 222300.
Autosomal dominant nonsyndromic hearing loss 6 (LFSNHL). Also called: Autosomal dominant nonsyndromic deafness 6; DEAFNESS, AUTOSOMAL DOMINANT 6; DEAFNESS, AUTOSOMAL DOMINANT 14; DEAFNESS, AUTOSOMAL DOMINANT 38. Identifiers: Orphanet 90635, MedGen C1833021, MONDO:0010963, OMIM 600965.
Type 2 diabetes mellitus. Also called: Type II diabetes mellitus. Identifiers: MedGen C0011860, MeSH D003924, MONDO:0005148, OMIM 125853, HP:0005978.
Wolfram-like syndrome. Also called: HEARING LOSS, PROGRESSIVE, WITH OPTIC ATROPHY AND/OR IMPAIRED GLUCOSE REGULATION. Identifiers: Orphanet 411590, MedGen C3280358, MONDO:0013673, OMIM 614296.

Allele frequency attached by ClinVar (database versions not stated): TOPMed below 0.00001; gnomAD exomes 0.00001 and 0.00002.
gnomAD v4.1: 34 of 1,611,610 alleles (0.0021%); highest among the groups gnomAD compares: Non-Finnish European, 0.0025%; no homozygotes.

Submissions (4):

GeneDx
Classification: Uncertain significance. Last evaluated: 2025-07-22. Review status: criteria provided, single submitter. Criteria: GeneDx Variant Classification Process June 2021. Collection method: clinical testing. Allele origin: germline. Affected: yes.
Comment: Identified in two siblings with sensorineural hearing loss and diabetes mellitus in published literature; the variant was also present in an unaffected sibling and inherited from father with diabetes mellitus (PMID: 32700054); In silico analysis suggests that this missense variant does not alter protein structure/function; This variant is associated with the following publications: (PMID: 33841295, 32700054)

Labcorp Genetics (formerly Invitae), Labcorp
Classification: Uncertain significance. Last evaluated: 2024-04-18. Review status: criteria provided, single submitter. Criteria: Invitae Variant Classification Sherloc (09022015). Collection method: clinical testing. Allele origin: germline.
Comment: This sequence change replaces valine, which is neutral and non-polar, with methionine, which is neutral and non-polar, at codon 803 of the WFS1 protein (p.Val803Met). This variant is present in population databases (rs745988826, gnomAD 0.003%). This missense change has been observed in individual(s) with optic neuropathy and/or Wolfram‑like syndrome (PMID: 32700054, 33841295). It has also been observed to segregate with disease in related individuals. ClinVar contains an entry for this variant (Variation ID: 229643). Advanced modeling of protein sequence and biophysical properties (such as structural, functional, and spatial information, amino acid conservation, physicochemical variation, residue mobility, and thermodynamic stability) has been performed at Invitae for this missense variant, however the output from this modeling did not meet the statistical confidence thresholds required to predict the impact of this variant on WFS1 protein function. In summary, the available evidence is currently insufficient to determine the role of this variant in disease. Therefore, it has been classified as a Variant of Uncertain Significance.

Fulgent Genetics
Classification: Uncertain significance for Cataract 41; Type 2 diabetes mellitus; Wolfram syndrome 1; Autosomal dominant nonsyndromic hearing loss 6; Wolfram-like syndrome. Last evaluated: 2022-04-19. Review status: criteria provided, single submitter. Criteria: ACMG Guidelines, 2015. Collection method: clinical testing. Allele origin: unknown.

Laboratory for Molecular Medicine, Mass General Brigham Personalized Medicine
Classification: Uncertain significance. Last evaluated: 2016-01-21. Review status: criteria provided, single submitter. Criteria: LMM Criteria. Collection method: clinical testing. Allele origin: germline. Observed: 1 variant allele.
Comment: The p.Val803Met variant in WFS1 has not been previously reported in individuals with hearing loss or Wolfram syndrome. This variant has been identified in 2/639 96 European chromosomes by the Exome Aggregation Consortium (ExAC; dbSNP rs745988826); however, this frequency is not high enoug h to rule out a pathogenic role. Computational prediction tools and conservatio n analyses suggest that the p.Val803Met variant may impact the protein, though t his information is not predictive enough to determine pathogenicity. In summary, the clinical significance of the p.Val803Met variant is uncertain.

Literature cited by the submitters: PubMed 32700054 (cited by Labcorp Genetics (formerly Invitae), Labcorp); PubMed 33841295 (cited by Labcorp Genetics (formerly Invitae), Labcorp).